The following is an entry in ClinVar:

ClinVar aggregate classification (germline): Uncertain significance (1 of 4 stars; one submission).

gnomAD v4.1: 7 of 1,603,270 alleles (0.00044%); highest among the groups gnomAD compares: Non-Finnish European, 0.0006%; no homozygotes.

Submission:

Labcorp Genetics (formerly Invitae), Labcorp
Classification: Uncertain significance. Last evaluated: 2022-09-12. Review status: criteria provided, single submitter. Criteria: Invitae Variant Classification Sherloc (09022015). Collection method: clinical testing. Allele origin: germline.
Comment: This sequence change replaces serine, which is neutral and polar, with cysteine, which is neutral and slightly polar, at codon 425 of the HMCN1 protein (p.Ser425Cys). This variant is present in population databases (rs766038716, gnomAD 0.0009%). This variant has not been reported in the literature in individuals affected with HMCN1-related conditions. Algorithms developed to predict the effect of missense changes on protein structure and function are either unavailable or do not agree on the potential impact of this missense change (SIFT: "Deleterious"; PolyPhen-2: "Benign"; Align-GVGD: "Class C0"). In summary, the available evidence is currently insufficient to determine the role of this variant in disease. Therefore, it has been classified as a Variant of Uncertain Significance.

NM_031935.3(HMCN1):c.1273A>T (p.Ser425Cys)

Gene: HMCN1 (hemicentin 1; plus strand). Cytogenetic location: 1q31.1.
Variant type: single nucleotide variant.
Coding change: c.1273A>T on transcript NM_031935.3 (MANE Select); coding-DNA position 1273, A replaced by T.
Protein change: p.Ser425Cys; replaces serine 425 with cysteine.
Molecular consequence: missense variant.
Genome position (GRCh38, 1-based): chr1:185,923,641, A>T. VCF-style: chr1-185923641-A-T. GRCh37 (hg19) VCF-style: chr1-185892773-A-T.
Other names: short protein forms S425C.
Identifiers: ClinVar variation 2090909 (VCV002090909.4), dbSNP rs766038716, ClinGen allele CA1291061.